The following is an entry in ClinVar:

ClinVar aggregate classification (germline): Uncertain significance (1 of 4 stars; one submission).

Submission:

Labcorp Genetics (formerly Invitae), Labcorp
Classification: Uncertain significance. Last evaluated: 2021-12-08. Review status: criteria provided, single submitter. Criteria: Invitae Variant Classification Sherloc (09022015). Collection method: clinical testing. Allele origin: germline.
Comment: This variant is not present in population databases (gnomAD no frequency). This sequence change replaces tyrosine, which is neutral and polar, with asparagine, which is neutral and polar, at codon 371 of the SERPINH1 protein (p.Tyr371Asn). This variant has not been reported in the literature in individuals affected with SERPINH1-related conditions. In summary, the available evidence is currently insufficient to determine the role of this variant in disease. Therefore, it has been classified as a Variant of Uncertain Significance. Advanced modeling of protein sequence and biophysical properties (such as structural, functional, and spatial information, amino acid conservation, physicochemical variation, residue mobility, and thermodynamic stability) performed at Invitae indicates that this missense variant is not expected to disrupt SERPINH1 protein function.

NM_001235.5(SERPINH1):c.1111T>A (p.Tyr371Asn)

Gene: SERPINH1 (serpin family H member 1; plus strand). Cytogenetic location: 11q13.5.
Variant type: single nucleotide variant.
Coding change: c.1111T>A on transcript NM_001235.5 (MANE Select); coding-DNA position 1111, T replaced by A.
Protein change: p.Tyr371Asn; replaces tyrosine 371 with asparagine.
Molecular consequence: missense variant.
Genome position (GRCh38, 1-based): chr11:75,571,937, T>A. VCF-style: chr11-75571937-T-A. GRCh37 (hg19) VCF-style: chr11-75282982-T-A.
Other names: c.1111T>A, p.Tyr371Asn (NM_001207014.3); short protein forms Y371N.
Identifiers: ClinVar variation 2038135 (VCV002038135.4), dbSNP rs2497031209, ClinGen allele CA381884874.